The following is an entry in ClinVar:

ClinVar aggregate classification (germline): Uncertain significance (1 of 4 stars; one submission).

Submission:

Mayo Clinic Laboratories, Mayo Clinic
Classification: Uncertain significance. Last evaluated: 2025-11-29. Review status: criteria provided, single submitter. Criteria: ACMG Guidelines, 2015. Collection method: clinical testing. Allele origin: germline. Observed: 1 variant allele.
Comment: PM2_supporting

NM_001972.4(ELANE):c.245T>A (p.Val82Glu)

Gene: ELANE (elastase, neutrophil expressed; plus strand). Cytogenetic location: 19p13.3.
Variant type: single nucleotide variant.
Coding change: c.245T>A on transcript NM_001972.4 (MANE Select); coding-DNA position 245, T replaced by A.
Protein change: p.Val82Glu; replaces valine 82 with glutamic acid.
Molecular consequence: missense variant.
Genome position (GRCh38, 1-based): chr19:853,282, T>A. VCF-style: chr19-853282-T-A. GRCh37 (hg19) VCF-style: chr19-853282-T-A.
Other names: p.Val82Glu; short protein forms V82E.
Identifiers: ClinVar variation 4542277 (VCV004542277.1).